The following is an entry in ClinVar:

NM_001048174.2(MUTYH):c.329A>C (p.Gln110Pro)

Gene: MUTYH (mutY DNA glycosylase; minus strand). Cytogenetic location: 1p34.1.
Variant type: single nucleotide variant.
Coding change: c.329A>C on transcript NM_001048174.2 (MANE Select); coding-DNA position 329, A replaced by C.
Protein change: p.Gln110Pro; replaces glutamine 110 with proline.
Molecular consequence: missense variant. On other transcripts: non-coding transcript variant (6), intron variant (3).
Genome position (GRCh38, 1-based): chr1:45,333,146, T>G on the plus strand (A>C on the coding strand, the complement: MUTYH is on the minus strand). VCF-style: chr1-45333146-T-G. GRCh37 (hg19) VCF-style: chr1-45798818-T-G.
Other names: c.329A>C, p.Gln110Pro (NM_001048171.2, NM_001048173.2, NM_001293195.2 and 6 more transcripts); c.332A>C, p.Gln111Pro (NM_001048172.2, NM_001407086.1, NM_001407071.1 and 2 more transcripts); c.413A>C, p.Gln138Pro (NM_001128425.2); c.374A>C, p.Gln125Pro (NM_001293190.2); c.362A>C, p.Gln121Pro (NM_001293191.2, NM_001407077.1); c.53A>C, p.Gln18Pro (NM_001293192.2, NM_001293196.2, NM_001407091.1); c.371A>C, p.Gln124Pro (NM_001407083.1, NM_001407085.1, NM_001407073.1); c.350A>C, p.Gln117Pro (NM_001407087.1); and 3 more; short protein forms Q110P, Q111P, Q117P, Q121P, Q124P, Q125P, Q135P, Q138P.
Identifiers: ClinVar variation 3072025 (VCV003072025.1), dbSNP rs2524226099, ClinGen allele CA340136169.

ClinVar aggregate classification (germline): Uncertain significance (1 of 4 stars; one submission).

Conditions:
Familial adenomatous polyposis 2. Also called: COLORECTAL ADENOMATOUS POLYPOSIS, AUTOSOMAL RECESSIVE; ADENOMAS, MULTIPLE COLORECTAL, AUTOSOMAL RECESSIVE; MYH-associated polyposis; MUTYH-associated polyposis; MUTYH-related attenuated familial adenomatous polyposis; MUTYH Polyposis. Identifiers: Orphanet 220460, Orphanet 247798, MedGen C3272841, MONDO:0012041, OMIM 608456.

Submission:

All of Us Research Program, National Institutes of Health
Classification: Uncertain significance for Familial adenomatous polyposis 2. Last evaluated: 2023-06-26. Review status: criteria provided, single submitter. Criteria: ACMG Guidelines, 2015. Collection method: clinical testing. Allele origin: germline. Inheritance: Autosomal recessive inheritance. Observed: 1 variant allele, 1 heterozygote.
Comment: This missense variant replaces glutamine with proline at codon 138 of the MUTYH protein. Computational prediction suggests that this variant may have deleterious impact on protein structure and function (internally defined REVEL score threshold >= 0.7, PMID: 27666373). To our knowledge, functional studies have not been reported for this variant. This variant has not been reported in individuals affected with MUTYH-related disorders in the literature. This variant has not been identified in the general population by the Genome Aggregation Database (gnomAD). The available evidence is insufficient to determine the role of this variant in disease conclusively. Therefore, this variant is classified as a Variant of Uncertain Significance.

This study involves interpretation of variants in research participants for the purpose of population health screening. Participant phenotype was not available at the time of variant classification. Additional details can be found in publication PMID: 35346344, PMCID: PMC8962531